The following is an entry in ClinVar:

NM_003200.5(TCF3):c.1120G>T (p.Ala374Ser)

Gene: TCF3 (transcription factor 3; minus strand). Cytogenetic location: 19p13.3.
Variant type: single nucleotide variant.
Coding change: c.1120G>T on transcript NM_003200.5 (MANE Select); coding-DNA position 1120, G replaced by T.
Protein change: p.Ala374Ser; replaces alanine 374 with serine.
Molecular consequence: missense variant.
Genome position (GRCh38, 1-based): chr19:1,619,827, C>A on the plus strand (G>T on the coding strand, the complement: TCF3 is on the minus strand). VCF-style: chr19-1619827-C-A. GRCh37 (hg19) VCF-style: chr19-1619826-C-A.
Other names: c.1120G>T, p.Ala374Ser (NM_001136139.4, NM_001351778.2, NM_001351779.2); short protein forms A374S.
Identifiers: ClinVar variation 4810728 (VCV004810728.1).

ClinVar aggregate classification (germline): Uncertain significance (1 of 4 stars; one submission).

Submission:

Labcorp Genetics (formerly Invitae), Labcorp
Classification: Uncertain significance. Last evaluated: 2025-03-10. Review status: criteria provided, single submitter. Criteria: Invitae Variant Classification Sherloc (09022015). Collection method: clinical testing. Allele origin: germline.
Comment: This sequence change replaces alanine, which is neutral and non-polar, with serine, which is neutral and polar, at codon 374 of the TCF3 protein (p.Ala374Ser). This variant is not present in population databases (gnomAD no frequency). This variant has not been reported in the literature in individuals affected with TCF3-related conditions. Invitae Evidence Modeling of protein sequence and biophysical properties (such as structural, functional, and spatial information, amino acid conservation, physicochemical variation, residue mobility, and thermodynamic stability) indicates that this missense variant is not expected to disrupt TCF3 protein function with a negative predictive value of 80%. In summary, the available evidence is currently insufficient to determine the role of this variant in disease. Therefore, it has been classified as a Variant of Uncertain Significance.